The following is an entry in ClinVar:

ClinVar aggregate classification (germline): Uncertain significance (1 of 4 stars; one submission).

Conditions:
Immunodeficiency 77. Identifiers: MedGen C5543173, MONDO:0030973, OMIM 619223.

Allele frequency attached by ClinVar (database versions not stated): gnomAD 0.00001.
gnomAD v4.1: 15 of 1,613,960 alleles (0.00093%); highest among the groups gnomAD compares: Non-Finnish European, 0.0013%; no homozygotes.

Submission:

Laboratorio de Genetica e Diagnostico Molecular, Hospital Israelita Albert Einstein
Classification: Uncertain significance for Immunodeficiency 77. Last evaluated: 2022-10-03. Review status: criteria provided, single submitter. Criteria: ACMG Guidelines, 2015. Collection method: clinical testing. Allele origin: germline. Affected: yes. Observed: 1 variant allele.
Comment: ACMG classification criteria: PM2 moderated, BP4 supporting

NM_001039396.2(MPEG1):c.1865T>C (p.Ile622Thr)

Gene: MPEG1 (macrophage expressed 1; minus strand). Cytogenetic location: 11q12.1.
Variant type: single nucleotide variant.
Coding change: c.1865T>C on transcript NM_001039396.2 (MANE Select); coding-DNA position 1865, T replaced by C.
Protein change: p.Ile622Thr; replaces isoleucine 622 with threonine.
Molecular consequence: missense variant.
Genome position (GRCh38, 1-based): chr11:59,211,001, A>G on the plus strand (T>C on the coding strand, the complement: MPEG1 is on the minus strand). VCF-style: chr11-59211001-A-G. GRCh37 (hg19) VCF-style: chr11-58978474-A-G.
Other names: short protein forms I622T.
Identifiers: ClinVar variation 2431677 (VCV002431677.1), dbSNP rs1279095839, ClinGen allele CA380769914.
Genomic context (GRCh38, chr11:59,211,001, plus strand): 5'-ATGGCCCTCCGCAGCTCTATCGGTTCTCCCAGCCTCCACTGGTGGGTCTGGGAGTCTTTA[A>G]TCCAGGATCTCGCATTCTCAGAATTGGTCACTATGACAGTATTGGTGGCAGCCTGACTCA-3'
Protein context (NP_001034485.1, residues 612-632): VTNSENARSW[Ile622Thr]KDSQTHQWRL